The following is an entry in ClinVar:

NM_004859.4(CLTC):c.1920G>C (p.Val640=)

Gene: CLTC (clathrin heavy chain; plus strand). Cytogenetic location: 17q23.1.
Variant type: single nucleotide variant.
Coding change: c.1920G>C on transcript NM_004859.4 (MANE Select); coding-DNA position 1920, G replaced by C.
Protein change: p.Val640=; no amino-acid change (valine 640 retained).
Molecular consequence: synonymous variant.
Genome position (GRCh38, 1-based): chr17:59,666,617, G>C. VCF-style: chr17-59666617-G-C. GRCh37 (hg19) VCF-style: chr17-57743978-G-C.
Other names: c.1932G>C, p.Val644= (NM_001288653.2).
Identifiers: ClinVar variation 3046702 (VCV003046702.2), dbSNP rs2032738501, ClinGen allele CA501092448.

ClinVar aggregate classification (germline): Likely benign (0 of 4 stars; one submission).

Conditions:
CLTC-related disorder. Also called: CLTC-related condition.

Submission:

PreventionGenetics, part of Exact Sciences
Classification: Likely benign for CLTC-related condition. Last evaluated: 2019-02-20. Review status: no assertion criteria provided. Collection method: clinical testing. Allele origin: germline.
Comment: This variant is classified as likely benign based on ACMG/AMP sequence variant interpretation guidelines (Richards et al. 2015 PMID: 25741868, with internal and published modifications).